The following is an entry in ClinVar:

NM_000218.3(KCNQ1):c.1514+12751_1514+12753del

Genes: KCNQ1 (potassium voltage-gated channel subfamily Q member 1; plus strand), KCNQ1OT1 (KCNQ1 opposite strand/antisense transcript 1; minus strand). Cytogenetic location: 11p15.5.
Variant type: Deletion.
Coding change: c.1514+12751_1514+12753del on transcript NM_000218.3 (MANE Select); bases 12751 to 12753 of the intron after coding-DNA position 1514, 3 bases deleted (TAA; older notation c.1514+12751_1514+12753delTAA).
Molecular consequence: intron variant. On other transcripts: non-coding transcript variant (1).
Genome position (GRCh38, 1-based): chr11:2,674,832-2,674,834, TAA deleted. VCF-style (leftmost placement, unchanged base first): chr11-2674831-TTAA-T. GRCh37 (hg19) VCF-style: chr11-2696061-TTAA-T.
Other names: c.1244+12751_1244+12753del (NM_001406837.1); c.1418+12751_1418+12753del (NM_001406836.1); c.974+12751_974+12753del (NM_001406838.1); c.1133+12751_1133+12753del (NM_181798.2).
Identifiers: ClinVar variation 3051544 (VCV003051544.2), dbSNP rs1475154639, ClinGen allele CA472799704.

ClinVar aggregate classification (germline): Likely benign (0 of 4 stars; one submission).

Conditions:
KCNQ1-related disorder. Also called: KCNQ1-related disorders; KCNQ1-related condition. Identifiers: MedGen CN239322.

Allele frequency attached by ClinVar (database versions not stated): gnomAD 0.00057; gnomAD exomes 0.00203.

Submission:

PreventionGenetics, part of Exact Sciences
Classification: Likely benign for KCNQ1-related condition. Last evaluated: 2023-01-03. Review status: no assertion criteria provided. Collection method: clinical testing. Allele origin: germline.
Comment: This variant is classified as likely benign based on ACMG/AMP sequence variant interpretation guidelines (Richards et al. 2015 PMID: 25741868, with internal and published modifications).